The following is an entry in ClinVar:

ClinVar aggregate classification (germline): Conflicting classifications of pathogenicity. Review status: criteria provided, conflicting classifications (1 of 4 stars). 2 submissions from 2 submitters: Likely pathogenic (1); Uncertain significance (1). Last evaluated 2023-02-01.

Conditions:
ACAD9-related disorder. Also called: ACAD9-related condition.

Submissions (2):

CeGaT Center for Human Genetics Tuebingen
Classification: Uncertain significance. Last evaluated: 2023-02-01. Review status: criteria provided, single submitter. Criteria: CeGaT Center For Human Genetics Tuebingen Variant Classification Criteria Version 2. Collection method: clinical testing. Allele origin: germline. Affected: yes. Observed: 1 variant allele.
Comment: ACAD9: PM2

PreventionGenetics, part of Exact Sciences
Classification: Likely pathogenic for ACAD9-related condition. Last evaluated: 2022-10-05. Review status: criteria provided, single submitter. Criteria: ACMG Guidelines, 2015. Collection method: clinical testing. Allele origin: germline.
Comment: The ACAD9 c.1622A>G variant is predicted to result in the amino acid substitution p.Tyr541Cys. To our knowledge, this variant has not been reported in the literature or in a large population database, indicating this variant is rare. This variant is interpreted as likely pathogenic.

NM_014049.5(ACAD9):c.1622A>G (p.Tyr541Cys)

Genes: ACAD9 (acyl-CoA dehydrogenase family member 9; plus strand), CFAP92 (cilia and flagella associated protein 92 (putative); minus strand). Cytogenetic location: 3q21.3.
Variant type: single nucleotide variant.
Coding change: c.1622A>G on transcript NM_014049.5 (MANE Select); coding-DNA position 1622, A replaced by G.
Protein change: p.Tyr541Cys; replaces tyrosine 541 with cysteine.
Molecular consequence: missense variant. On other transcripts: non-coding transcript variant (1), 3 prime UTR variant (3).
Genome position (GRCh38, 1-based): chr3:128,910,079, A>G. VCF-style: chr3-128910079-A-G. GRCh37 (hg19) VCF-style: chr3-128628922-A-G.
Other names: c.1253A>G, p.Tyr418Cys (NM_001410805.1); c.*220T>C (NM_001348520.2, NM_001348521.2, NM_001394090.1); short protein forms Y418C, Y541C.
Identifiers: ClinVar variation 2637212 (VCV002637212.24), dbSNP rs2529283290, ClinGen allele CA354439324.